The following is an entry in ClinVar:

NM_000112.4(SLC26A2):c.2109del (p.Glu704fs)

Gene: SLC26A2 (solute carrier family 26 member 2; plus strand). Cytogenetic location: 5q32.
Variant type: Deletion.
Coding change: c.2109del on transcript NM_000112.4 (MANE Select); coding-DNA position 2109, one base deleted (A; older notation c.2109delA).
Protein change: p.Glu704fs; shifts the reading frame from glutamic acid 704.
Molecular consequence: frameshift variant.
Genome position (GRCh38, 1-based): chr5:149,981,702, A deleted; the last of 2 consecutive A bases (chr5:149,981,701-149,981,702); deleting either gives the same sequence. VCF-style (leftmost placement, unchanged base first): chr5-149981700-GA-G. GRCh37 (hg19) VCF-style: chr5-149361263-GA-G.
Other names: short protein forms E704fs.
Identifiers: ClinVar variation 2027074 (VCV002027074.4), dbSNP rs2480778118, ClinGen allele CA2580073971.

ClinVar aggregate classification (germline): Pathogenic (1 of 4 stars; one submission).

Conditions:
Atelosteogenesis type II (AO2). Also called: NEONATAL OSSEOUS DYSPLASIA I; SLC26A2-Related Atelosteogenesis; Neonatal osseous dysplasia 1. Identifiers: Orphanet 56304, MedGen C1850554, MONDO:0009727, OMIM 256050.
Achondrogenesis, type IB (ACG1B). Also called: Achondrogenesis Type 1B. Identifiers: Orphanet 932, Orphanet 93298, MedGen C0265274, MONDO:0010966, OMIM 600972.
Diastrophic dysplasia (DTD). Also called: Diastrophic dwarfism. Identifiers: Orphanet 628, MedGen C0220726, MONDO:0009107, OMIM 222600.
Multiple epiphyseal dysplasia type 4 (EDM4). Also called: Multiple Epiphyseal Dysplasia, Recessive; MULTIPLE EPIPHYSEAL DYSPLASIA WITH BILAYERED PATELLAE; MULTIPLE EPIPHYSEAL DYSPLASIA WITH CLUBFOOT; MULTIPLE EPIPHYSEAL DYSPLASIA, AUTOSOMAL RECESSIVE; SLC26A2-Related Multiple Epiphyseal Dysplasia. Identifiers: Orphanet 93307, MedGen C1847593, MONDO:0009189, OMIM 226900.

Submission:

Labcorp Genetics (formerly Invitae), Labcorp
Classification: Pathogenic for Atelosteogenesis type II; Multiple epiphyseal dysplasia type 4; Achondrogenesis, type IB; Diastrophic dysplasia. Last evaluated: 2022-08-25. Review status: criteria provided, single submitter. Criteria: Invitae Variant Classification Sherloc (09022015). Collection method: clinical testing. Allele origin: germline.
Comment: This variant is not present in population databases (gnomAD no frequency). For these reasons, this variant has been classified as Pathogenic. This variant disrupts a region of the SLC26A2 protein in which other variant(s) (p.Ala715Val) have been determined to be pathogenic (PMID: 11448940, 15294877, 21077204; Invitae). This suggests that this is a clinically significant region of the protein, and that variants that disrupt it are likely to be disease-causing. This variant has not been reported in the literature in individuals affected with SLC26A2-related conditions. This sequence change creates a premature translational stop signal (p.Glu704Lysfs*31) in the SLC26A2 gene. While this is not anticipated to result in nonsense mediated decay, it is expected to disrupt the last 36 amino acid(s) of the SLC26A2 protein.

Literature cited by the submitters: PubMed 11448940; PubMed 15294877; PubMed 21077204.